The following is an entry in ClinVar:

ClinVar aggregate classification (germline): Uncertain significance. Review status: reviewed by expert panel (3 of 4 stars). 4 submissions from 4 submitters: Uncertain significance (1). 3 of the submissions do not count toward it. Last evaluated 2024-02-26.

Conditions:
Severe combined immunodeficiency, autosomal recessive, T cell-negative, B cell-negative, NK cell-positive. Also called: SCID, T CELL-NEGATIVE, B CELL-NEGATIVE, NK CELL-POSITIVE; SCID, AR, T-cell negative, B-cell negative, NK cell-positive; Severe combined immunodeficiency due to complete RAG1/2 deficiency. Identifiers: Orphanet 331206, MedGen C1832322, MONDO:0011086, OMIM 601457.
Combined immunodeficiency with skin granulomas. Identifiers: Orphanet 157949, MedGen C2673536, MONDO:0009306, OMIM 233650.
Recombinase activating gene 1 deficiency. Identifiers: MedGen CN375631, MONDO:0000572.

Allele frequency attached by ClinVar (database versions not stated): TOPMed below 0.00001; ExAC 0.00001; gnomAD exomes 0.00001.
gnomAD v4.1: 4 of 1,614,202 alleles (0.00025%); highest among the groups gnomAD compares: Admixed American, 0.005%; no homozygotes.

Submissions (4):

ClinGen Severe Combined Immunodeficiency Variant Curation Expert Panel, ClinGen
Classification: Uncertain significance for Recombinase activating gene 1 deficiency. Last evaluated: 2024-02-26. Review status: reviewed by expert panel. Criteria: ClinGen SCID ACMG Specifications RAG1 V1.0.0. Collection method: curation. Allele origin: germline. Inheritance: Autosomal recessive inheritance.
Comment: NM_000448.3(RAG1):c.2442G>T is a missense variant predicted to cause substitution of Glutamic Acid by Aspartic Acid at amino acid 814 (p.Glu814Asp). This missense variant is located in the core domain (amino acids 387-1011) (PM1_Supporting). The filtering allele frequency (the upper threshold of the 95% CI of 3/44724) of the c.2442G>T variant in RAG1 is 0.00001779 for Admixed American chromosomes by gnomAD v4, which is lower than the ClinGen SCID VCEP threshold (<0.000102) for PM2_Supporting, and therefore meets this criterion (PM2_Supporting). In summary, this variant meets the criteria to be classified as a variant of uncertain significance for autosomal recessive severe combined immunodeficiency due to RAG1 deficiency based on the ACMG/AMP criteria applied, as specified by the ClinGen SCID VCEP: PM1_Supporting,PM2_Supporting(VCEP specifications version 1).

Women's Health and Genetics/Laboratory Corporation of America, LabCorp
Classification: Uncertain significance. Last evaluated: 2023-07-24. Review status: criteria provided, single submitter. Criteria: LabCorp Variant Classification Summary - May 2015. Collection method: clinical testing. Allele origin: germline. Not counted in ClinVar's aggregate classification.

Labcorp Genetics (formerly Invitae), Labcorp
Classification: Uncertain significance for Combined immunodeficiency with skin granulomas; Severe combined immunodeficiency, autosomal recessive, T cell-negative, B cell-negative, NK cell-positive. Last evaluated: 2021-08-31. Review status: criteria provided, single submitter. Criteria: Invitae Variant Classification Sherloc (09022015). Collection method: clinical testing. Allele origin: germline. Not counted in ClinVar's aggregate classification.
Comment: This sequence change replaces glutamic acid with aspartic acid at codon 814 of the RAG1 protein (p.Glu814Asp). The glutamic acid residue is highly conserved and there is a small physicochemical difference between glutamic acid and aspartic acid. This variant is present in population databases (rs768860215, ExAC 0.009%). This variant has not been reported in the literature in individuals affected with RAG1-related conditions. ClinVar contains an entry for this variant (Variation ID: 418449). Algorithms developed to predict the effect of missense changes on protein structure and function are either unavailable or do not agree on the potential impact of this missense change (SIFT: "Deleterious"; PolyPhen-2: "Probably Damaging"; Align-GVGD: "Class C0"). In summary, the available evidence is currently insufficient to determine the role of this variant in disease. Therefore, it has been classified as a Variant of Uncertain Significance.

GeneDx
Classification: Likely pathogenic. Last evaluated: 2014-12-30. Review status: criteria provided, single submitter. Criteria: GeneDx Variant Classification (06012015). Collection method: clinical testing. Allele origin: germline. Affected: yes. Not counted in ClinVar's aggregate classification.
Comment: This novel E814D variant has not been published as pathogenic, nor has it been reported as a benign polymorphism to our knowledge. The E814D variant was not observed in approximately 6,500 individuals of European and African American ancestry in an external varianat database, indicating it is not a common benign variant in these populations. The E814D variant is a conservative amino acid substitution, which is not likely to impact secondary protein structure as these residues share similar properties. This substitution occurs at a position that is conserved across vertebrate species. In silico analysis predicts this variant is probably damaging to the protein structure/function. Functional studies indicate that RAG1 protein with a mutation in the same residue, E814A, has reduced activity as compared with wild-type RAG1 protein (Fugmann et al., 2000). Therefore, this is a strong candidate for a pathogenic variant, however the possibility that it is a benign variant cannot be excluded.

NM_000448.3(RAG1):c.2442G>T (p.Glu814Asp)

Gene: RAG1 (recombination activating 1; plus strand). Cytogenetic location: 11p12.
Variant type: single nucleotide variant.
Coding change: c.2442G>T on transcript NM_000448.3 (MANE Select); coding-DNA position 2442, G replaced by T.
Protein change: p.Glu814Asp; replaces glutamic acid 814 with aspartic acid.
Molecular consequence: missense variant.
Genome position (GRCh38, 1-based): chr11:36,575,746, G>T. VCF-style: chr11-36575746-G-T. GRCh37 (hg19) VCF-style: chr11-36597296-G-T.
Other names: NM_000448.3(RAG1):c.2442G>T; p.Glu814Asp; c.2442G>T, p.Glu814Asp (NM_001377277.1, NM_001377278.1, NM_001377279.1 and 1 more transcripts); short protein forms E814D.
Identifiers: ClinVar variation 418449 (VCV000418449.10), dbSNP rs768860215, ClinGen allele CA5950260.